The following is an entry in ClinVar:

ClinVar aggregate classification (germline): Pathogenic (1 of 4 stars; one submission).

Submission:

ISCA site 4
Classification: Pathogenic. Last evaluated: 2011-08-12. Review status: criteria provided, single submitter. Criteria: Kaminsky et al. (Genet Med. 2011). Collection method: clinical testing. Allele origin: unknown. Affected: yes. Observed: 1 variant allele.
Comment: Copy number variation identified through the course of routine clinical cytogenomic testing in postnatal populations. Clinical assertions have been curated as described in Kaminsky et al. 2011.

GRCh38/hg38 10q25.3(chr10:114584882-117015907)x1

Genes: ABLIM1 (actin binding LIM protein 1; minus strand), ATRNL1 (attractin like 1; plus strand), CCDC172 (coiled-coil domain containing 172; plus strand), ENO4 (enolase 4; plus strand), FHIP2A (FHF complex subunit HOOK interacting protein 2A; plus strand) and 42 more. Cytogenetic location: 10q25.3.
Variant type: copy number loss.
Change: copy number 1 (one copy instead of two) of chr10:114,584,882-117,015,907 (2.43 Mb, GRCh38 coordinates, 1-based), cytogenetic band 10q25.3.
Identifiers: ClinVar variation 57171 (VCV000057171.1).